The following is an entry in ClinVar:

NM_002519.3(NPAT):c.2198A>G (p.Asp733Gly)

Gene: NPAT (nuclear protein, coactivator of histone transcription; minus strand). Cytogenetic location: 11q22.3.
Variant type: single nucleotide variant.
Coding change: c.2198A>G on transcript NM_002519.3 (MANE Select); coding-DNA position 2198, A replaced by G.
Protein change: p.Asp733Gly; replaces aspartic acid 733 with glycine.
Molecular consequence: missense variant.
Genome position (GRCh38, 1-based): chr11:108,172,786, T>C on the plus strand (A>G on the coding strand, the complement: NPAT is on the minus strand). VCF-style: chr11-108172786-T-C. GRCh37 (hg19) VCF-style: chr11-108043513-T-C.
Other names: c.2198A>G, p.Asp733Gly (NM_001321307.1); short protein forms D733G.
Identifiers: ClinVar variation 2453746 (VCV002453746.2), dbSNP rs2496718242, ClinGen allele CA382513478.

ClinVar aggregate classification (germline): Uncertain significance (1 of 4 stars; one submission).

Submission:

Ambry Genetics
Classification: Uncertain significance. Last evaluated: 2022-12-01. Review status: criteria provided, single submitter. Criteria: Ambry Variant Classification Scheme 2023. Collection method: clinical testing. Allele origin: germline.
Comment: The p.D733G variant (also known as c.2198A>G), located in coding exon 13 of the NPAT gene, results from an A to G substitution at nucleotide position 2198. The aspartic acid at codon 733 is replaced by glycine, an amino acid with similar properties. This amino acid position is conserved. In addition, this alteration is predicted to be tolerated by in silico analysis. Since supporting evidence is limited at this time, the clinical significance of this alteration remains unclear.